The following is an entry in ClinVar:

NM_004006.3(DMD):c.4961del (p.Ser1654fs)

Gene: DMD (dystrophin; minus strand). Cytogenetic location: Xp21.1.
Variant type: Deletion.
Coding change: c.4961del on transcript NM_004006.3 (MANE Select); coding-DNA position 4961, one base deleted (G; older notation c.4961delG).
Protein change: p.Ser1654fs; shifts the reading frame from serine 1654.
Molecular consequence: frameshift variant.
Genome position (GRCh38, 1-based): chrX:32,365,084, C deleted on the plus strand (G on the coding strand, the reverse complement: DMD is on the minus strand). VCF-style (leftmost placement, unchanged base first): chrX-32365083-AC-A. GRCh37 (hg19) VCF-style: chrX-32383200-AC-A.
Other names: c.4937del, p.Ser1646fs (NM_000109.4); c.4949del, p.Ser1650fs (NM_004009.3); c.4592del, p.Ser1531fs (NM_004010.3); c.938del, p.Ser313fs (NM_004011.4); c.929del, p.Ser310fs (NM_004012.4); short protein forms S1531fs, S1646fs, S1650fs, S1654fs, S310fs, S313fs.
Identifiers: ClinVar variation 1806418 (VCV001806418.1), dbSNP rs2522568739, ClinGen allele CA2580100630.

ClinVar aggregate classification (germline): Likely pathogenic (1 of 4 stars; one submission).

Conditions:
Duchenne muscular dystrophy (DMD). Also called: MUSCULAR DYSTROPHY, PSEUDOHYPERTROPHIC PROGRESSIVE, DUCHENNE TYPE; Duchenne Muscular Dystrophy (DMD). Identifiers: Orphanet 98896, MedGen C0013264, MONDO:0010679, OMIM 310200.

Submission:

Laboratory of Medical Genetics, National & Kapodistrian University of Athens
Classification: Likely pathogenic for Duchenne muscular dystrophy. Last evaluated: 2022-12-16. Review status: criteria provided, single submitter. Criteria: ACMG Guidelines, 2015. Collection method: clinical testing. Allele origin: germline. Affected: yes.
Comment: PVS1, PM2